The following is an entry in ClinVar:

NM_000057.4(BLM):c.3751+1G>A

Gene: BLM (BLM RecQ like helicase; plus strand). Cytogenetic location: 15q26.1.
Variant type: single nucleotide variant.
Coding change: c.3751+1G>A on transcript NM_000057.4 (MANE Select); the canonical splice donor site of the intron after coding-DNA position 3751, G replaced by A.
Molecular consequence: splice donor variant. On other transcripts: intron variant (1).
Genome position (GRCh38, 1-based): chr15:90,804,360, G>A. VCF-style: chr15-90804360-G-A. GRCh37 (hg19) VCF-style: chr15-91347590-G-A.
Other names: c.3751+1G>A (NM_001287246.2); c.2626+1G>A (NM_001287248.2); c.3359-4777G>A (NM_001287247.2).
Identifiers: ClinVar variation 1493768 (VCV001493768.8), dbSNP rs1897239335, ClinGen allele CA393848315.

ClinVar aggregate classification (germline): Likely pathogenic (1 of 4 stars; one submission).

Conditions:
Bloom syndrome (BLM). Also called: Bloom-Torre-Machacek syndrome. Identifiers: Orphanet 125, MedGen C0005859, MONDO:0008876, OMIM 210900.

Submission:

Labcorp Genetics (formerly Invitae), Labcorp
Classification: Likely pathogenic for Bloom syndrome. Last evaluated: 2023-10-20. Review status: criteria provided, single submitter. Criteria: Invitae Variant Classification Sherloc (09022015). Collection method: clinical testing. Allele origin: germline.
Comment: This sequence change affects a donor splice site in intron 19 of the BLM gene. It is expected to disrupt RNA splicing. Variants that disrupt the donor or acceptor splice site typically lead to a loss of protein function (PMID: 16199547), and loss-of-function variants in BLM are known to be pathogenic (PMID: 17407155). This variant is not present in population databases (gnomAD no frequency). This variant has not been reported in the literature in individuals affected with BLM-related conditions. ClinVar contains an entry for this variant (Variation ID: 1493768). Algorithms developed to predict the effect of sequence changes on RNA splicing suggest that this variant may disrupt the consensus splice site. In summary, the currently available evidence indicates that the variant is pathogenic, but additional data are needed to prove that conclusively. Therefore, this variant has been classified as Likely Pathogenic.

Literature cited by the submitters: PubMed 16199547; PubMed 17407155.